The following is an entry in ClinVar:

NM_003059.3(SLC22A4):c.514G>A (p.Val172Ile)

Genes: MIR3936HG (MIR3936 host gene; minus strand), SLC22A4 (solute carrier family 22 member 4; plus strand). Cytogenetic location: 5q31.1.
Variant type: single nucleotide variant.
Coding change: c.514G>A on transcript NM_003059.3 (MANE Select); coding-DNA position 514, G replaced by A.
Protein change: p.Val172Ile; replaces valine 172 with isoleucine.
Molecular consequence: missense variant.
Genome position (GRCh38, 1-based): chr5:132,313,630, G>A. VCF-style: chr5-132313630-G-A. GRCh37 (hg19) VCF-style: chr5-131649323-G-A.
Other names: p.Val172Ile; short protein forms V172I.
Identifiers: ClinVar variation 2682905 (VCV002682905.4), dbSNP rs781510670, ClinGen allele CA3403435.

ClinVar aggregate classification (germline): Conflicting classifications of pathogenicity. Review status: criteria provided, conflicting classifications (1 of 4 stars). 3 submissions from 3 submitters: Uncertain significance (2); Likely benign (1). Last evaluated 2025-11-26.

Allele frequency attached by ClinVar (database versions not stated): gnomAD 0.00001.
gnomAD v4.1: 13 of 1,614,226 alleles (0.00081%); highest among the groups gnomAD compares: Middle Eastern, 0.016%; no homozygotes.

Submissions (3):

Ambry Genetics
Classification: Likely benign. Last evaluated: 2025-11-26. Review status: criteria provided, single submitter. Criteria: Ambry Variant Classification Scheme 2023. Collection method: clinical testing. Allele origin: germline.

Labcorp Genetics (formerly Invitae), Labcorp
Classification: Uncertain significance. Last evaluated: 2024-10-24. Review status: criteria provided, single submitter. Criteria: Invitae Variant Classification Sherloc (09022015). Collection method: clinical testing. Allele origin: germline.
Comment: This sequence change replaces valine, which is neutral and non-polar, with isoleucine, which is neutral and non-polar, at codon 172 of the SLC22A4 protein (p.Val172Ile). This variant is present in population databases (rs781510670, gnomAD 0.004%). This variant has not been reported in the literature in individuals affected with SLC22A4-related conditions. Invitae Evidence Modeling of protein sequence and biophysical properties (such as structural, functional, and spatial information, amino acid conservation, physicochemical variation, residue mobility, and thermodynamic stability) indicates that this missense variant is not expected to disrupt SLC22A4 protein function with a negative predictive value of 80%. In summary, the available evidence is currently insufficient to determine the role of this variant in disease. Therefore, it has been classified as a Variant of Uncertain Significance.

Mayo Clinic Laboratories, Mayo Clinic
Classification: Uncertain significance. Last evaluated: 2022-07-29. Review status: criteria provided, single submitter. Criteria: ACMG Guidelines, 2015. Collection method: clinical testing. Allele origin: germline. Observed: 1 variant allele.
Comment: BP4, PM2